The following is an entry in ClinVar:

ClinVar aggregate classification (germline): Likely benign (1 of 4 stars; one submission).

gnomAD v4.1: 3,358 of 1,576,432 alleles (0.21%); highest among the groups gnomAD compares: Non-Finnish European, 0.27%; 1 homozygote.

Submission:

CeGaT Center for Human Genetics Tuebingen
Classification: Likely benign. Last evaluated: 2025-01-01. Review status: criteria provided, single submitter. Criteria: CeGaT Center For Human Genetics Tuebingen Variant Classification Criteria Version 2. Collection method: clinical testing. Allele origin: germline. Affected: yes. Observed: 1 variant allele.
Comment: ARHGEF17: BS2

NM_014786.4(ARHGEF17):c.4715G>A (p.Arg1572Lys)

Genes: ARHGEF17 (Rho guanine nucleotide exchange factor 17; plus strand), LOC121392928 (Sharpr-MPRA regulatory region 4120; plus strand). Cytogenetic location: 11q13.4.
Variant type: single nucleotide variant.
Coding change: c.4715G>A on transcript NM_014786.4 (MANE Select); coding-DNA position 4715, G replaced by A.
Protein change: p.Arg1572Lys; replaces arginine 1572 with lysine.
Molecular consequence: missense variant.
Genome position (GRCh38, 1-based): chr11:73,362,453, G>A. VCF-style: chr11-73362453-G-A. GRCh37 (hg19) VCF-style: chr11-73073498-G-A.
Other names: short protein forms R1572K.
Identifiers: ClinVar variation 3770651 (VCV003770651.13).